The following is an entry in ClinVar:

ClinVar aggregate classification (germline): Uncertain significance. Review status: criteria provided, single submitter (1 of 4 stars). 2 submissions from 2 submitters: Uncertain significance (1). 1 of the submissions does not count toward it. Last evaluated 2025-12-11.

Conditions:
Cardiovascular phenotype. Identifiers: MedGen CN230736.
Dystrophin deficiency.
Cardiomyopathy (CMYO). Also called: Cardiomyopathies. Identifiers: Orphanet 167848, MedGen C0878544, MONDO:0004994, HP:0001638. Inheritance: Various modes of inheritance.
Becker muscular dystrophy (BMD). Also called: Becker Muscular Dystrophy (BMD); MUSCULAR DYSTROPHY, PSEUDOHYPERTROPHIC PROGRESSIVE, BECKER TYPE. Identifiers: Orphanet 98895, MedGen C0917713, MONDO:0010311, OMIM 300376.
Duchenne muscular dystrophy (DMD). Also called: Duchenne Muscular Dystrophy (DMD); MUSCULAR DYSTROPHY, PSEUDOHYPERTROPHIC PROGRESSIVE, DUCHENNE TYPE. Identifiers: Orphanet 98896, MedGen C0013264, MONDO:0010679, OMIM 310200.

Allele frequency attached by ClinVar (database versions not stated): gnomAD exomes 0.00001; TOPMed 0.00001.
gnomAD v4.1: 6 of 1,209,776 alleles (0.0005%); highest among the groups gnomAD compares: African/African-American, 0.0017%; no homozygotes.

Submissions (2):

Ambry Genetics
Classification: Uncertain significance for Cardiovascular phenotype. Last evaluated: 2025-12-11. Review status: criteria provided, single submitter. Criteria: Ambry Variant Classification Scheme 2023. Collection method: clinical testing. Allele origin: germline.
Comment: The p.A3311T variant (also known as c.9931G>A), located in coding exon 68 of the DMD gene, results from a G to A substitution at nucleotide position 9931. The alanine at codon 3311 is replaced by threonine, an amino acid with similar properties. This amino acid position is highly conserved in available vertebrate species. In addition, this alteration is predicted to be deleterious by in silico analysis. Since supporting evidence is limited at this time, the clinical significance of this alteration remains unclear.

Natera, Inc.
Classification: Uncertain significance for Becker muscular dystrophy; Cardiomyopathy; Duchenne muscular dystrophy; Dystrophin deficiency. Last evaluated: 2018-09-23. Review status: no assertion criteria provided. Collection method: clinical testing. Allele origin: germline. Not counted in ClinVar's aggregate classification.

NM_004006.3(DMD):c.9931G>A (p.Ala3311Thr)

Gene: DMD (dystrophin; minus strand). Cytogenetic location: Xp21.2.
Variant type: single nucleotide variant.
Coding change: c.9931G>A on transcript NM_004006.3 (MANE Select); coding-DNA position 9931, G replaced by A.
Protein change: p.Ala3311Thr; replaces alanine 3311 with threonine.
Molecular consequence: missense variant.
Genome position (GRCh38, 1-based): chrX:31,182,781, C>T on the plus strand (G>A on the coding strand, the complement: DMD is on the minus strand). VCF-style: chrX-31182781-C-T. GRCh37 (hg19) VCF-style: chrX-31200898-C-T.
Other names: c.9907G>A, p.Ala3303Thr (NM_000109.4); c.9919G>A, p.Ala3307Thr (NM_004009.3); c.9562G>A, p.Ala3188Thr (NM_004010.3); c.5908G>A, p.Ala1970Thr (NM_004011.4); c.5899G>A, p.Ala1967Thr (NM_004012.4); c.2551G>A, p.Ala851Thr (NM_004013.3, NM_004020.4, NM_004021.3 and 2 more transcripts); c.1744G>A, p.Ala582Thr (NM_004014.3); c.727G>A, p.Ala243Thr (NM_004015.3, NM_004016.3, NM_004017.3 and 2 more transcripts); short protein forms A3311T, A1967T, A3188T, A3303T, A1970T, A243T, A582T, A851T.
Identifiers: ClinVar variation 518985 (VCV000518985.7), dbSNP rs1348920866, ClinGen allele CA412653364.